The following is an entry in ClinVar:

NM_201384.3(PLEC):c.1418+5G>T

Gene: PLEC (plectin; minus strand). Cytogenetic location: 8q24.3.
Variant type: single nucleotide variant.
Coding change: c.1418+5G>T on transcript NM_201384.3 (MANE Select); 5 bases into the intron after coding-DNA position 1418, G replaced by T.
Molecular consequence: intron variant.
Genome position (GRCh38, 1-based): chr8:143,933,192, C>A on the plus strand (G>T on the coding strand, the complement: PLEC is on the minus strand). VCF-style: chr8-143933192-C-A. GRCh37 (hg19) VCF-style: chr8-145007360-C-A.
Other names: c.1499+5G>T (NM_001410941.1, NM_000445.5); c.1376+5G>T (NM_201378.4); c.1352+5G>T (NM_201379.3); c.1829+5G>T (NM_201380.4); c.1322+5G>T (NM_201381.3); c.1418+5G>T (NM_201382.4); c.1430+5G>T (NM_201383.3).
Identifiers: ClinVar variation 2684300 (VCV002684300.4), dbSNP rs2538885395, ClinGen allele CA2579275457.

ClinVar aggregate classification (germline): Uncertain significance. Review status: criteria provided, multiple submitters, no conflicts (2 of 4 stars). 2 submissions from 2 submitters: Uncertain significance (2). Last evaluated 2023-11-14.

Conditions:
Epidermolysis bullosa simplex 5B, with muscular dystrophy (EBS5B). Also called: Epidermolysis bullosa simplex with muscular dystrophy; EPIDERMOLYSIS BULLOSA SIMPLEX AND LIMB-GIRDLE MUSCULAR DYSTROPHY. Identifiers: Orphanet 257, MedGen C2931072, MONDO:0009181, OMIM 226670.
Autosomal recessive limb-girdle muscular dystrophy type 2Q (LGMDR17). Also called: MUSCULAR DYSTROPHY, LIMB-GIRDLE, AUTOSOMAL RECESSIVE 17. Identifiers: Orphanet 254361, MedGen C3150989, MONDO:0013390, OMIM 613723.
Epidermolysis bullosa simplex, Ogna type (EBS5A). Also called: Pidermolysis bullosa simplex 5A, Ogna type; EPIDERMOLYSIS BULLOSA SIMPLEX 5A, OGNA TYPE. Identifiers: Orphanet 79401, MedGen C0432317, MONDO:0007555, OMIM 131950.
Epidermolysis bullosa simplex 5C, with pyloric atresia (EBS5C). Also called: Epidermolysis bullosa simplex with pyloric atresia; PLEC-Related Epidermolysis Bullosa with Pyloric Atresia; PLEC1-Related Epidermolysis Bullosa with Pyloric Atresia. Identifiers: Orphanet 158684, MedGen C2677349, MONDO:0012807, OMIM 612138.
Epidermolysis bullosa simplex with nail dystrophy (EBS5D). Identifiers: MedGen C4225309, MONDO:0014661, OMIM 616487.

Submissions (2):

Labcorp Genetics (formerly Invitae), Labcorp
Classification: Uncertain significance for Autosomal recessive limb-girdle muscular dystrophy type 2Q; Epidermolysis bullosa simplex, Ogna type; Epidermolysis bullosa simplex with nail dystrophy; Epidermolysis bullosa simplex 5C, with pyloric atresia; Epidermolysis bullosa simplex 5B, with muscular dystrophy. Last evaluated: 2023-11-14. Review status: criteria provided, single submitter. Criteria: Invitae Variant Classification Sherloc (09022015). Collection method: clinical testing. Allele origin: germline.
Comment: This sequence change falls in intron 14 of the PLEC gene. It does not directly change the encoded amino acid sequence of the PLEC protein. It affects a nucleotide within the consensus splice site. This variant is not present in population databases (gnomAD no frequency). This variant has not been reported in the literature in individuals affected with PLEC-related conditions. Variants that disrupt the consensus splice site are a relatively common cause of aberrant splicing (PMID: 17576681, 9536098). Algorithms developed to predict the effect of sequence changes on RNA splicing suggest that this variant may disrupt the consensus splice site. In summary, the available evidence is currently insufficient to determine the role of this variant in disease. Therefore, it has been classified as a Variant of Uncertain Significance.

Athena Diagnostics
Classification: Uncertain significance. Last evaluated: 2023-03-17. Review status: criteria provided, single submitter. Criteria: Athena Diagnostics Criteria. Collection method: clinical testing. Allele origin: unknown.
Comment: Available data are insufficient to determine the clinical significance of the variant at this time. This variant has not been reported in large, multi-ethnic general populations. Computational tools yielded predictions that this variant may interfere with normal RNA splicing.

Literature cited by the submitters: PubMed 17576681 (cited by Labcorp Genetics (formerly Invitae), Labcorp); PubMed 9536098 (cited by Labcorp Genetics (formerly Invitae), Labcorp).